The following is an entry in ClinVar:

ClinVar aggregate classification (germline): Uncertain significance. Review status: criteria provided, multiple submitters, no conflicts (2 of 4 stars). 2 submissions from 2 submitters: Uncertain significance (2). Last evaluated 2025-09-17.

Conditions:
GSN-related disorder. Also called: GSN-related condition.
Finnish type amyloidosis. Also called: Lattice corneal dystrophy associated with familial systemic amyloidosis; Meretoja's syndrome; Lattice dystrophy of the cornea with hereditary generalized amyloidosis; Amyloidosis, familial, Finnish type; Meretoja type amyloidosis; Amyloidosis 5. Identifiers: Orphanet 85448, MedGen C1622345, MONDO:0007097, OMIM 105120.

gnomAD v4.1: 9 of 1,613,930 alleles (0.00056%); highest among the groups gnomAD compares: Admixed American, 0.0067%; no homozygotes.

Submissions (2):

PreventionGenetics, part of Exact Sciences
Classification: Uncertain significance for GSN-related condition. Last evaluated: 2025-09-17. Review status: criteria provided, single submitter. Criteria: ACMG Guidelines, 2015. Collection method: clinical testing. Allele origin: germline.
Comment: The GSN c.2186G>A variant is predicted to result in the amino acid substitution p.Arg729Gln. To our knowledge, this variant has not been reported in the literature. This variant is reported in 0.0085% of alleles in individuals of Latino descent in gnomAD. At this time, the clinical significance of this variant is uncertain due to the absence of conclusive functional and genetic evidence.

Fulgent Genetics
Classification: Uncertain significance for Finnish type amyloidosis. Last evaluated: 2024-02-07. Review status: criteria provided, single submitter. Criteria: ACMG Guidelines, 2015. Collection method: clinical testing. Allele origin: germline.

NM_198252.3(GSN):c.2033G>A (p.Arg678Gln)

Gene: GSN (gelsolin; plus strand). Cytogenetic location: 9q33.2.
Variant type: single nucleotide variant.
Coding change: c.2033G>A on transcript NM_198252.3 (MANE Select); coding-DNA position 2033, G replaced by A.
Protein change: p.Arg678Gln; replaces arginine 678 with glutamine.
Molecular consequence: missense variant.
Genome position (GRCh38, 1-based): chr9:121,332,440, G>A. VCF-style: chr9-121332440-G-A. GRCh37 (hg19) VCF-style: chr9-124094718-G-A.
Other names: c.2033G>A, p.Arg678Gln (NM_001353055.2, NM_001353056.2, NM_001353057.2 and 10 more transcripts); c.2066G>A, p.Arg689Gln (NM_001353063.2, NM_001353064.2, NM_001127666.2 and 13 more transcripts); c.2186G>A, p.Arg729Gln (NM_000177.5); c.2141G>A, p.Arg714Gln (NM_001127663.2); c.2084G>A, p.Arg695Gln (NM_001258029.2); c.2057G>A, p.Arg686Gln (NM_001258030.2); c.2105G>A, p.Arg702Gln (NM_001353076.2); c.1379G>A, p.Arg460Gln (NM_001353078.2); and 1 more; short protein forms R678Q, R686Q, R695Q, R702Q, R729Q, R714Q, R460Q, R689Q.
Identifiers: ClinVar variation 3596423 (VCV003596423.2).
Genomic context (GRCh38, chr9:121,332,440, plus strand): 5'-GTGGGAGGCACTAAGAATTCCTGGGGTTTCCTTTTCTTGCACGTGTGTCTGCAGCTAAGC[G>A]GTACATCGAGACGGACCCAGCCAATCGGGATCGGCGGACGCCCATCACCGTGGTGAAGCA-3'
Protein context (NP_937895.1, residues 668-688): EKTEALTSAK[Arg678Gln]YIETDPANRD